The following is an entry in ClinVar:

ClinVar aggregate classification (germline): Conflicting classifications of pathogenicity. Review status: criteria provided, conflicting classifications (1 of 4 stars). 3 submissions from 3 submitters: Uncertain significance (2); Benign (1). Last evaluated 2026-02-06.

Conditions:
Hereditary cancer-predisposing syndrome. Also called: Neoplastic Syndromes, Hereditary; Hereditary Cancer Syndrome; Hereditary neoplastic syndrome; Tumor predisposition. Identifiers: Orphanet 140162, MedGen C0027672, MeSH D009386, MONDO:0015356.
Fanconi anemia complementation group O. Also called: RAD51C-Related Fanconi Anemia. Identifiers: Orphanet 84, MedGen C3150653, MONDO:0013248, OMIM 613390.

Allele frequency attached by ClinVar (database versions not stated): gnomAD exomes below 0.00001.
gnomAD v4.1: 2 of 1,613,340 alleles (0.00012%); highest among the groups gnomAD compares: Admixed American, 0.0017%; no homozygotes.

Submissions (3):

Women's Health and Genetics/Laboratory Corporation of America, LabCorp
Classification: Uncertain significance. Last evaluated: 2026-02-06. Review status: criteria provided, single submitter. Criteria: LabCorp Variant Classification Summary - May 2015. Collection method: clinical testing. Allele origin: germline.

Labcorp Genetics (formerly Invitae), Labcorp
Classification: Uncertain significance for Fanconi anemia complementation group O. Last evaluated: 2026-01-07. Review status: criteria provided, single submitter. Criteria: Invitae Variant Classification Sherloc (09022015). Collection method: clinical testing. Allele origin: germline.
Comment: This sequence change replaces cysteine, which is neutral and slightly polar, with arginine, which is basic and polar, at codon 335 of the RAD51C protein (p.Cys335Arg). This variant is not present in population databases (gnomAD no frequency). This variant has not been reported in the literature in individuals affected with RAD51C-related conditions. ClinVar contains an entry for this variant (Variation ID: 1776439). Invitae Evidence Modeling of protein sequence and biophysical properties (such as structural, functional, and spatial information, amino acid conservation, physicochemical variation, residue mobility, and thermodynamic stability) indicates that this missense variant is not expected to disrupt RAD51C protein function with a negative predictive value of 80%. In summary, the available evidence is currently insufficient to determine the role of this variant in disease. Therefore, it has been classified as a Variant of Uncertain Significance.

Ambry Genetics
Classification: Benign for Hereditary cancer-predisposing syndrome. Last evaluated: 2025-09-25. Review status: criteria provided, single submitter. Criteria: Ambry Variant Classification Scheme 2023. Collection method: clinical testing. Allele origin: germline.

NM_058216.3(RAD51C):c.1003T>C (p.Cys335Arg)

Gene: RAD51C (RAD51 paralog C; plus strand). Cytogenetic location: 17q22.
Variant type: single nucleotide variant.
Coding change: c.1003T>C on transcript NM_058216.3 (MANE Select); coding-DNA position 1003, T replaced by C.
Protein change: p.Cys335Arg; replaces cysteine 335 with arginine.
Molecular consequence: missense variant. On other transcripts: non-coding transcript variant (1).
Genome position (GRCh38, 1-based): chr17:58,732,521, T>C. VCF-style: chr17-58732521-T-C. GRCh37 (hg19) VCF-style: chr17-56809882-T-C.
Other names: c.*431T>C (NM_058217.1); short protein forms C335R.
Identifiers: ClinVar variation 1776439 (VCV001776439.8), dbSNP rs2144045743, ClinGen allele CA400365048.